The following is an entry in ClinVar:

ClinVar aggregate classification (germline): Uncertain significance (1 of 4 stars; one submission).

Conditions:
Catecholaminergic polymorphic ventricular tachycardia (CVPT). Also called: Catecholamine-induced polymorphic ventricular tachycardia. Identifiers: Orphanet 3286, MedGen C5574922, MONDO:0017990.

Submission:

All of Us Research Program, National Institutes of Health
Classification: Uncertain significance for Catecholaminergic polymorphic ventricular tachycardia. Last evaluated: 2023-08-15. Review status: criteria provided, single submitter. Criteria: ACMG Guidelines, 2015. Collection method: clinical testing. Allele origin: germline. Inheritance: Autosomal dominant inheritance. Observed: 1 variant allele, 1 heterozygote.
Comment: This missense variant replaces glutamic acid with glutamine at codon 1946 of the RYR2 protein. Computational prediction suggests that this variant may not impact protein structure and function (internally defined REVEL score threshold <= 0.5, PMID: 27666373). To our knowledge, functional studies have not been reported for this variant. This variant has not been reported in individuals affected with RYR2-related disorders in the literature. This variant has not been identified in the general population by the Genome Aggregation Database (gnomAD). The available evidence is insufficient to determine the role of this variant in disease conclusively. Therefore, this variant is classified as a Variant of Uncertain Significance.

This study involves interpretation of variants in research participants for the purpose of population health screening. Participant phenotype was not available at the time of variant classification. Additional details can be found in publication PMID: 35346344, PMCID: PMC8962531

NM_001035.3(RYR2):c.5836G>C (p.Glu1946Gln)

Gene: RYR2 (ryanodine receptor 2; plus strand). Cytogenetic location: 1q43.
Variant type: single nucleotide variant.
Coding change: c.5836G>C on transcript NM_001035.3 (MANE Select); coding-DNA position 5836, G replaced by C.
Protein change: p.Glu1946Gln; replaces glutamic acid 1946 with glutamine.
Molecular consequence: missense variant.
Genome position (GRCh38, 1-based): chr1:237,617,406, G>C. VCF-style: chr1-237617406-G-C. GRCh37 (hg19) VCF-style: chr1-237780706-G-C.
Other names: short protein forms E1946Q.
Identifiers: ClinVar variation 3072766 (VCV003072766.1), dbSNP rs267598436, ClinGen allele CA345407207.